The following is an entry in ClinVar:

NM_031220.4(PITPNM3):c.1408G>A (p.Asp470Asn)

Gene: PITPNM3 (PITPNM family member 3; minus strand). Cytogenetic location: 17p13.2.
Variant type: single nucleotide variant.
Coding change: c.1408G>A on transcript NM_031220.4 (MANE Select); coding-DNA position 1408, G replaced by A.
Protein change: p.Asp470Asn; replaces aspartic acid 470 with asparagine.
Molecular consequence: missense variant.
Genome position (GRCh38, 1-based): chr17:6,472,678, C>T on the plus strand (G>A on the coding strand, the complement: PITPNM3 is on the minus strand). VCF-style: chr17-6472678-C-T. GRCh37 (hg19) VCF-style: chr17-6375998-C-T.
Other names: c.1300G>A, p.Asp434Asn (NM_001165966.2); c.1408G>A (NM_031220.3); short protein forms D434N, D470N.
Identifiers: ClinVar variation 1023646 (VCV001023646.10), dbSNP rs201223846, ClinGen allele CA8329521.

ClinVar aggregate classification (germline): Uncertain significance. Review status: criteria provided, multiple submitters, no conflicts (2 of 4 stars). 2 submissions from 2 submitters: Uncertain significance (2). Last evaluated 2025-05-07.

Allele frequency attached by ClinVar (database versions not stated): TOPMed 0.00002; gnomAD exomes 0.00004; ExAC 0.00006; 1000 Genomes Project 0.00020; 1000 Genomes Project 30x 0.00031.
gnomAD v4.1: 15 of 1,613,490 alleles (0.00093%); highest among the groups gnomAD compares: African/African-American, 0.008%; no homozygotes.

Submissions (2):

Ambry Genetics
Classification: Uncertain significance. Last evaluated: 2025-05-07. Review status: criteria provided, single submitter. Criteria: Ambry Variant Classification Scheme 2023. Collection method: clinical testing. Allele origin: germline.

Labcorp Genetics (formerly Invitae), Labcorp
Classification: Uncertain significance. Last evaluated: 2022-11-29. Review status: criteria provided, single submitter. Criteria: Invitae Variant Classification Sherloc (09022015). Collection method: clinical testing. Allele origin: germline.
Comment: ClinVar contains an entry for this variant (Variation ID: 1023646). This variant has not been reported in the literature in individuals affected with PITPNM3-related conditions. This variant is present in population databases (rs201223846, gnomAD 0.03%). This sequence change replaces aspartic acid, which is acidic and polar, with asparagine, which is neutral and polar, at codon 470 of the PITPNM3 protein (p.Asp470Asn). In summary, the available evidence is currently insufficient to determine the role of this variant in disease. Therefore, it has been classified as a Variant of Uncertain Significance. Advanced modeling of protein sequence and biophysical properties (such as structural, functional, and spatial information, amino acid conservation, physicochemical variation, residue mobility, and thermodynamic stability) performed at Invitae indicates that this missense variant is not expected to disrupt PITPNM3 protein function.